The following is an entry in ClinVar:

ClinVar aggregate classification (germline): Uncertain significance. Review status: criteria provided, multiple submitters, no conflicts (2 of 4 stars). 5 submissions from 5 submitters: Uncertain significance (5). Last evaluated 2025-12-20.

Conditions:
Combined immunodeficiency due to OX40 deficiency. Also called: Immunodeficiency 16; OX40 DEFICIENCY. Identifiers: Orphanet 431149, MedGen C3810053, MONDO:0014268, OMIM 615593.

Allele frequency attached by ClinVar (database versions not stated): gnomAD 0.00006 and 0.00009; ESP Exome Variant Server 0.00008; TOPMed 0.00015.

Submissions (5):

Labcorp Genetics (formerly Invitae), Labcorp
Classification: Uncertain significance for Combined immunodeficiency due to OX40 deficiency. Last evaluated: 2025-12-20. Review status: criteria provided, single submitter. Criteria: Invitae Variant Classification Sherloc (09022015). Collection method: clinical testing. Allele origin: germline.
Comment: This sequence change replaces glycine, which is neutral and non-polar, with arginine, which is basic and polar, at codon 11 of the TNFRSF4 protein (p.Gly11Arg). This variant is present in population databases (rs376504072, gnomAD 0.02%). This variant has not been reported in the literature in individuals affected with TNFRSF4-related conditions. ClinVar contains an entry for this variant (Variation ID: 659539). An algorithm developed to predict the effect of missense changes on protein structure and function outputs the following: PolyPhen-2: "Not Available". The arginine amino acid residue is found in multiple mammalian species, which suggests that this missense change does not adversely affect protein function. In summary, the available evidence is currently insufficient to determine the role of this variant in disease. Therefore, it has been classified as a Variant of Uncertain Significance.

CeGaT Center for Human Genetics Tuebingen
Classification: Uncertain significance. Last evaluated: 2025-08-01. Review status: criteria provided, single submitter. Criteria: CeGaT Center For Human Genetics Tuebingen Variant Classification Criteria Version 2. Collection method: clinical testing. Allele origin: germline. Affected: yes. Observed: 1 variant allele.
Comment: TNFRSF4: PM2, PM3:Supporting

Ambry Genetics
Classification: Uncertain significance. Last evaluated: 2025-07-04. Review status: criteria provided, single submitter. Criteria: Ambry Variant Classification Scheme 2023. Collection method: clinical testing. Allele origin: germline.

Blueprint Genetics
Classification: Uncertain significance. Last evaluated: 2024-06-13. Review status: criteria provided, single submitter. Criteria: ACMG Guidelines, 2015. Collection method: clinical testing. Allele origin: germline.

Breakthrough Genomics
Classification: Uncertain significance. Review status: criteria provided, single submitter. Criteria: ACMG Guidelines, 2015. Collection method: not provided. Allele origin: germline. Inheritance: Autosomal recessive inheritance. Affected: yes.

NM_003327.4(TNFRSF4):c.31G>A (p.Gly11Arg)

Gene: TNFRSF4 (TNF receptor superfamily member 4; minus strand). Cytogenetic location: 1p36.33.
Variant type: single nucleotide variant.
Coding change: c.31G>A on transcript NM_003327.4 (MANE Select); coding-DNA position 31, G replaced by A.
Protein change: p.Gly11Arg; replaces glycine 11 with arginine.
Molecular consequence: missense variant.
Genome position (GRCh38, 1-based): chr1:1,214,097, C>T on the plus strand (G>A on the coding strand, the complement: TNFRSF4 is on the minus strand). VCF-style: chr1-1214097-C-T. GRCh37 (hg19) VCF-style: chr1-1149477-C-T.
Other names: c.31G>A, p.Gly11Arg (LRG_1319t1); short protein forms G11R.
Identifiers: ClinVar variation 659539 (VCV000659539.19), dbSNP rs376504072, ClinGen allele CA512703.
Genomic context (GRCh38, chr1:1,214,097, plus strand): 5'-AGTGGAGCCCCGTCACGGTGCTCAGCCCCAGGCCCAGGAGGAGCAGAGCCGCACACGGCC[C>T]GCGGCCCAGCCGCCGAGCCCCCACGCACATCCTCGTCTCTGCTGTCGCCAGAGTCTGGGT-3'
Protein context (NP_003318.1, residues 1-21): MCVGARRLGR[Gly11Arg]PCAALLLLGL